The following is an entry in ClinVar:

NM_001127644.2(GABRA1):c.*937C>A

Gene: GABRA1 (gamma-aminobutyric acid type A receptor subunit alpha1; plus strand). Cytogenetic location: 5q34.
Variant type: single nucleotide variant.
Coding change: c.*937C>A on transcript NM_001127644.2 (MANE Select); 937 bases downstream of the stop codon, C replaced by A.
Molecular consequence: 3 prime UTR variant.
Genome position (GRCh38, 1-based): chr5:161,898,359, C>A. VCF-style: chr5-161898359-C-A. GRCh37 (hg19) VCF-style: chr5-161325365-C-A.
Other names: c.*937C>A (NM_000806.5, NM_001127643.2, NM_001127645.2 and 1 more transcripts).
Identifiers: ClinVar variation 907624 (VCV000907624.5), dbSNP rs41315924, ClinGen allele CA131088034.

ClinVar aggregate classification (germline): Likely benign. Review status: criteria provided, multiple submitters, no conflicts (2 of 4 stars). 2 submissions from 2 submitters: Likely benign (2). Last evaluated 2018-01-13.

Conditions:
Epilepsy, idiopathic generalized, susceptibility to, 13. Also called: EPILEPSY, JUVENILE MYOCLONIC, SUSCEPTIBILITY TO, 5. Identifiers: Orphanet 307, Orphanet 64280, MedGen C4013473, MONDO:0012627, OMIM 611136.

Allele frequency attached by ClinVar (database versions not stated): gnomAD exomes 0.01636; TOPMed 0.03530; gnomAD 0.03642 and 0.03708; 1000 Genomes Project 0.04173; 1000 Genomes Project 30x 0.04232.
gnomAD v4.1: 5,604 of 152,520 alleles (3.7%); highest among the groups gnomAD compares: South Asian, 5.7%; 117 homozygotes.

Submissions (2):

Illumina Laboratory Services, Illumina
Classification: Likely benign for Epilepsy, idiopathic generalized, susceptibility to, 13. Last evaluated: 2018-01-13. Review status: criteria provided, single submitter. Criteria: ICSL Variant Classification Criteria 13 December 2019. Collection method: clinical testing. Allele origin: germline.
Comment: This variant was observed in the ICSL laboratory as part of a predisposition screen in an ostensibly healthy population. It had not been previously curated by ICSL or reported in the Human Gene Mutation Database (HGMD: prior to June 1st, 2018), and was therefore a candidate for classification through an automated scoring system. Utilizing variant allele frequency, disease prevalence and penetrance estimates, and inheritance mode, an automated score was calculated to assess if this variant is too frequent to cause the disease. Based on the score and internal cut-off values, a variant classified as likely benign is not then subjected to further curation. The score for this variant resulted in a classification of likely benign for this disease.

Breakthrough Genomics
Classification: Likely benign. Review status: criteria provided, single submitter. Criteria: ACMG Guidelines, 2015. Collection method: not provided. Allele origin: germline. Inheritance: Autosomal dominant inheritance. Affected: yes.